The following is an entry in ClinVar:

ClinVar aggregate classification (germline): Likely benign. Review status: criteria provided, multiple submitters, no conflicts (2 of 4 stars). 3 submissions from 3 submitters: Likely benign (2). 1 of the submissions does not count toward it. Last evaluated 2025-06-04.

Conditions:
Tuberous sclerosis syndrome (TSC). Also called: Tuberous Sclerosis Complex; Tuberous sclerosis. Identifiers: Orphanet 805, MedGen C0041341, MONDO:0001734.
Tuberous sclerosis 2 (TSC2). Identifiers: Orphanet 805, MedGen C1860707, MONDO:0013199, OMIM 613254.

Allele frequency attached by ClinVar (database versions not stated): gnomAD 0.00001.
gnomAD v4.1: 9 of 1,612,906 alleles (0.00056%); highest among the groups gnomAD compares: African/African-American, 0.0013%; no homozygotes.

Submissions (3):

Myriad Genetics, Inc.
Classification: Likely benign for Tuberous sclerosis 2. Last evaluated: 2025-06-04. Review status: criteria provided, single submitter. Criteria: Myriad Autosomal Dominant, Autosomal Recessive and X-Linked Classification Criteria (2023). Collection method: clinical testing. Allele origin: unknown.
Comment: This variant is considered likely benign. This variant is intronic and is not expected to impact mRNA splicing.

Labcorp Genetics (formerly Invitae), Labcorp
Classification: Likely benign for Tuberous sclerosis 2. Last evaluated: 2024-12-10. Review status: criteria provided, single submitter. Criteria: Invitae Variant Classification Sherloc (09022015). Collection method: clinical testing. Allele origin: germline.

Tuberous sclerosis database (TSC2)
No classification provided. Condition: TSC. Review status: no classification provided. Criteria: Tuberous Sclerosis Database Assertion Criteria 2015. Collection method: curation. Allele origin: germline. Affected: yes. Not counted in ClinVar's aggregate classification.

NM_000548.5(TSC2):c.4569+7G>C

Gene: TSC2 (TSC complex subunit 2; plus strand). Cytogenetic location: 16p13.3.
Variant type: single nucleotide variant.
Coding change: c.4569+7G>C on transcript NM_000548.5 (MANE Select); 7 bases into the intron after coding-DNA position 4569, G replaced by C.
Molecular consequence: intron variant.
Genome position (GRCh38, 1-based): chr16:2,085,033, G>C. VCF-style: chr16-2085033-G-C. GRCh37 (hg19) VCF-style: chr16-2135034-G-C.
Other names: c.4500+7G>C (NM_001114382.3); c.4440+7G>C (NM_021055.3, NM_001370405.1); c.4371+7G>C (NM_001363528.2); c.4437+7G>C (NM_001370404.1); c.4368+7G>C (NM_001077183.3); c.4260+7G>C (NM_001318827.2); c.3837+7G>C (NM_001318831.2); c.4224+7G>C (NM_001318829.2); and 1 more.
Identifiers: ClinVar variation 50007 (VCV000050007.13), dbSNP rs45497598, ClinGen allele CA020678.